The following is an entry in ClinVar:

NM_018263.6(ASXL2):c.*10A>G

Gene: ASXL2 (ASXL transcriptional regulator 2; minus strand). Cytogenetic location: 2p23.3.
Variant type: single nucleotide variant.
Coding change: c.*10A>G on transcript NM_018263.6 (MANE Select); 10 bases downstream of the stop codon, A replaced by G.
Molecular consequence: 3 prime UTR variant.
Genome position (GRCh38, 1-based): chr2:25,742,019, T>C on the plus strand (A>G on the coding strand, the complement: ASXL2 is on the minus strand). VCF-style: chr2-25742019-T-C. GRCh37 (hg19) VCF-style: chr2-25964888-T-C.
Other names: c.*10A>G (NM_001369346.1, NM_001369347.1).
Identifiers: ClinVar variation 3063836 (VCV003063836.1), dbSNP rs2465301973, ClinGen allele CA2658189290.

ClinVar aggregate classification (germline): Uncertain significance (1 of 4 stars; one submission).

gnomAD v4.1: 1 of 1,605,754 alleles (0.000062%); no homozygotes.

Submission:

Women's Health and Genetics/Laboratory Corporation of America, LabCorp
Classification: Uncertain significance. Last evaluated: 2024-01-10. Review status: criteria provided, single submitter. Criteria: LabCorp Variant Classification Summary - May 2015. Collection method: clinical testing. Allele origin: germline.
Comment: Variant summary: ASXL2 c.*10A>G is located in the untranslated mRNA region downstream of the termination codon. The variant was absent in 246444 control chromosomes. The available data on variant occurrences in the general population are insufficient to allow any conclusion about variant significance. To our knowledge, no occurrence of c.*10A>G in individuals affected with Shashi-Pena Syndrome and no experimental evidence demonstrating its impact on protein function have been reported. No submitters have cited clinical-significance assessments for this variant to ClinVar. Based on the evidence outlined above, the variant was classified as uncertain significance.